The following is an entry in ClinVar:

NM_001040108.2(MLH3):c.1567C>A (p.Gln523Lys)

Gene: MLH3 (mutL homolog 3; minus strand). Cytogenetic location: 14q24.3.
Variant type: single nucleotide variant.
Coding change: c.1567C>A on transcript NM_001040108.2 (MANE Select); coding-DNA position 1567, C replaced by A.
Protein change: p.Gln523Lys; replaces glutamine 523 with lysine.
Molecular consequence: missense variant.
Genome position (GRCh38, 1-based): chr14:75,048,089, G>T on the plus strand (C>A on the coding strand, the complement: MLH3 is on the minus strand). VCF-style: chr14-75048089-G-T. GRCh37 (hg19) VCF-style: chr14-75514792-G-T.
Other names: c.1567C>A, p.Gln523Lys (NM_014381.3); short protein forms Q523K.
Identifiers: ClinVar variation 969934 (VCV000969934.8), dbSNP rs759903303, ClinGen allele CA7275852.

ClinVar aggregate classification (germline): Uncertain significance. Review status: criteria provided, multiple submitters, no conflicts (2 of 4 stars). 2 submissions from 2 submitters: Uncertain significance (2). Last evaluated 2025-12-29.

Conditions:
Colorectal cancer, hereditary nonpolyposis, type 7. Identifiers: Orphanet 144, MedGen C1858380, MONDO:0013725, OMIM 614385.

Allele frequency attached by ClinVar (database versions not stated): gnomAD exomes below 0.00001 and 0.00001; ExAC 0.00001.
gnomAD v4.1: 3 of 1,614,102 alleles (0.00019%); highest among the groups gnomAD compares: Non-Finnish European, 0.00025%; no homozygotes.

Submissions (2):

Center for Genomic Medicine, Rigshospitalet, Copenhagen University Hospital
Classification: Uncertain significance. Last evaluated: 2025-12-29. Review status: criteria provided, single submitter. Criteria: ACMG Guidelines, 2015. Collection method: clinical testing. Allele origin: germline.

Labcorp Genetics (formerly Invitae), Labcorp
Classification: Uncertain significance for Colorectal cancer, hereditary nonpolyposis, type 7. Last evaluated: 2021-10-17. Review status: criteria provided, single submitter. Criteria: Invitae Variant Classification Sherloc (09022015). Collection method: clinical testing. Allele origin: germline.
Comment: This sequence change replaces glutamine with lysine at codon 523 of the MLH3 protein (p.Gln523Lys). The glutamine residue is weakly conserved and there is a small physicochemical difference between glutamine and lysine. This variant is present in population databases (rs759903303, ExAC 0.001%). This variant has not been reported in the literature in individuals affected with MLH3-related conditions. Algorithms developed to predict the effect of missense changes on protein structure and function output the following: SIFT: "Tolerated"; PolyPhen-2: "Benign"; Align-GVGD: "Class C0". The lysine amino acid residue is found in multiple mammalian species, which suggests that this missense change does not adversely affect protein function. In summary, the available evidence is currently insufficient to determine the role of this variant in disease. Therefore, it has been classified as a Variant of Uncertain Significance.